The following is an entry in ClinVar:

ClinVar aggregate classification (germline): Uncertain significance. Review status: criteria provided, multiple submitters, no conflicts (2 of 4 stars). 2 submissions from 2 submitters: Uncertain significance (2). Last evaluated 2026-01-23.

Conditions:
Inborn genetic diseases. Identifiers: MedGen C0950123, MeSH D030342.
Deafness-lymphedema-leukemia syndrome. Also called: Lymphedema, primary, with myelodysplasia; Emberger syndrome. Identifiers: Orphanet 3226, MedGen C3279664, MONDO:0013540, OMIM 614038.
Monocytopenia with susceptibility to infections. Also called: GATA2 DEFICIENCY; COMBINED IMMUNODEFICIENCY WITH SUSCEPTIBILITY TO MYCOBACTERIAL, VIRAL, AND FUNGAL INFECTIONS; Dendritic cell, monocyte, B lymphocyte, and natural killer lymphocyte deficiency; MONOCYTOPENIA AND MYCOBACTERIAL INFECTION SYNDROME; MONOCYTOPENIA WITH SUSCEPTIBILITY TO MYCOBACTERIAL, FUNGAL, AND PAPILLOMAVIRUS INFECTIONS AND MYELODYSPLASIA; IMMUNODEFICIENCY 21. Identifiers: Orphanet 228423, MedGen C3280030, MONDO:0013607, OMIM 614172.

Submissions (2):

Ambry Genetics
Classification: Uncertain significance for Inborn genetic diseases. Last evaluated: 2026-01-23. Review status: criteria provided, single submitter. Criteria: Ambry Variant Classification Scheme 2023. Collection method: clinical testing. Allele origin: germline.
Comment: The c.337_339dupCAC variant (also known as p.H113dup), located in coding exon 2 of the GATA2 gene, results from an in-frame duplication of CAC at nucleotide positions 337 to 339. This results in the duplication of a residue at codon 113. This amino acid position is well conserved in available vertebrate species. Based on the available evidence, the clinical significance of this variant remains unclear.

Labcorp Genetics (formerly Invitae), Labcorp
Classification: Uncertain significance for Monocytopenia with susceptibility to infections; Deafness-lymphedema-leukemia syndrome. Last evaluated: 2024-12-02. Review status: criteria provided, single submitter. Criteria: Invitae Variant Classification Sherloc (09022015). Collection method: clinical testing. Allele origin: germline.
Comment: This variant, c.337_339dup, results in the insertion of 1 amino acid(s) of the GATA2 protein (p.His113dup), but otherwise preserves the integrity of the reading frame. This variant is not present in population databases (gnomAD no frequency). This variant has not been reported in the literature in individuals affected with GATA2-related conditions. Experimental studies and prediction algorithms are not available or were not evaluated, and the functional significance of this variant is currently unknown. In summary, the available evidence is currently insufficient to determine the role of this variant in disease. Therefore, it has been classified as a Variant of Uncertain Significance.

NM_032638.5(GATA2):c.331CAC[4] (p.His113dup)

Gene: GATA2 (GATA binding protein 2; minus strand). Cytogenetic location: 3q21.3.
Variant type: Microsatellite.
Coding change: c.331CAC[4] on transcript NM_032638.5 (MANE Select); four copies in a row of the 3-base unit CAC starting at c.331; the reference has three copies in a row; one copy, 3 bases duplicated.
Protein change: p.His113dup; duplicates histidine 113.
Molecular consequence: inframe insertion.
Genome position (GRCh38, 1-based): chr3:128,486,259-128,486,261, GTG duplicated on the plus strand (CAC on the coding strand, the reverse complement: GATA2 is on the minus strand); duplicating any 3 consecutive bases within chr3:128,486,259-128,486,268 gives the same sequence; the position shown is the placement nearest the transcript's 3' end. VCF-style (leftmost placement, unchanged base first): chr3-128486258-T-TGTG. GRCh37 (hg19) VCF-style: chr3-128205101-T-TGTG.
Other names: c.331CAC[4], p.His113dup (NM_001145661.2, NM_001145662.1); c.337_339dupCAC (NM_032638.4).
Identifiers: ClinVar variation 1360021 (VCV001360021.9), dbSNP rs777017660, ClinGen allele CA2580616525.